The following is an entry in ClinVar:

ClinVar aggregate classification (germline): Uncertain significance. Review status: criteria provided, multiple submitters, no conflicts (2 of 4 stars). 2 submissions from 2 submitters: Uncertain significance (2). Last evaluated 2025-05-03.

Conditions:
Cardiovascular phenotype. Identifiers: MedGen CN230736.
Long QT syndrome 11 (LQT11). Identifiers: Orphanet 101016, Orphanet 768, MedGen C2678483, MONDO:0012738, OMIM 611820.

gnomAD v4.1: 6 of 1,602,036 alleles (0.00037%); highest among the groups gnomAD compares: Non-Finnish European, 0.00051%; no homozygotes.

Submissions (2):

Ambry Genetics
Classification: Uncertain significance for Cardiovascular phenotype. Last evaluated: 2025-05-03. Review status: criteria provided, single submitter. Criteria: Ambry Variant Classification Scheme 2023. Collection method: clinical testing. Allele origin: germline.
Comment: The p.H3902Y variant (also known as c.11704C>T), located in coding exon 50 of the AKAP9 gene, results from a C to T substitution at nucleotide position 11704. The histidine at codon 3902 is replaced by tyrosine, an amino acid with similar properties. This amino acid position is conserved. In addition, this alteration is predicted to be tolerated by in silico analysis. Based on the available evidence, the clinical significance of this variant remains unclear.

Fulgent Genetics
Classification: Uncertain significance for Long QT syndrome 11. Last evaluated: 2024-01-06. Review status: criteria provided, single submitter. Criteria: ACMG Guidelines, 2015. Collection method: clinical testing. Allele origin: germline.

NM_005751.5(AKAP9):c.11704C>T (p.His3902Tyr)

Gene: AKAP9 (A-kinase anchoring protein 9; plus strand). Cytogenetic location: 7q21.2.
Variant type: single nucleotide variant.
Coding change: c.11704C>T on transcript NM_005751.5 (MANE Select); coding-DNA position 11704, C replaced by T.
Protein change: p.His3902Tyr; replaces histidine 3902 with tyrosine.
Molecular consequence: missense variant.
Genome position (GRCh38, 1-based): chr7:92,110,139, C>T. VCF-style: chr7-92110139-C-T. GRCh37 (hg19) VCF-style: chr7-91739453-C-T.
Other names: c.6349C>T, p.His2117Tyr (NM_001379277.1); c.11680C>T, p.His3894Tyr (NM_147185.3); short protein forms H2117Y, H3894Y, H3902Y.
Identifiers: ClinVar variation 3594929 (VCV003594929.2).